The following is an entry in ClinVar:

NM_004260.4(RECQL4):c.2891C>A (p.Pro964His)

Gene: RECQL4 (RecQ like helicase 4; minus strand). Cytogenetic location: 8q24.3.
Variant type: single nucleotide variant.
Coding change: c.2891C>A on transcript NM_004260.4 (MANE Select); coding-DNA position 2891, C replaced by A.
Protein change: p.Pro964His; replaces proline 964 with histidine.
Molecular consequence: missense variant. On other transcripts: non-coding transcript variant (3).
Genome position (GRCh38, 1-based): chr8:144,512,556, G>T on the plus strand (C>A on the coding strand, the complement: RECQL4 is on the minus strand). VCF-style: chr8-144512556-G-T. GRCh37 (hg19) VCF-style: chr8-145737939-G-T.
Other names: c.2597C>A, p.Pro866His (NM_001413017.1); c.2693C>A, p.Pro898His (NM_001413018.1); c.2966C>A, p.Pro989His (NM_001413019.1); c.2795C>A, p.Pro932His (NM_001413020.1); c.1820C>A, p.Pro607His (NM_001413021.1, NM_001413022.1, NM_001413024.1 and 4 more transcripts); c.1895C>A, p.Pro632His (NM_001413023.1); c.2762C>A, p.Pro921His (NM_001413025.1); c.1754C>A, p.Pro585His (NM_001413027.1, NM_001413030.1, NM_001413032.1); and 9 more; short protein forms P610H, P847H, P563H, P585H, P607H, P632H, P954H, P989H.
Identifiers: ClinVar variation 3787991 (VCV003787991.1).

ClinVar aggregate classification (germline): Uncertain significance (1 of 4 stars; one submission).

Conditions:
Inborn genetic diseases. Identifiers: MedGen C0950123, MeSH D030342.

gnomAD v4.1: 1 of 1,612,514 alleles (0.000062%); highest among the groups gnomAD compares: South Asian, 0.0011%; no homozygotes.

Submission:

Ambry Genetics
Classification: Uncertain significance for Inborn genetic diseases. Last evaluated: 2025-01-09. Review status: criteria provided, single submitter. Criteria: Ambry Variant Classification Scheme 2023. Collection method: clinical testing. Allele origin: germline.
Comment: The p.P964H variant (also known as c.2891C>A), located in coding exon 17 of the RECQL4 gene, results from a C to A substitution at nucleotide position 2891. The proline at codon 964 is replaced by histidine, an amino acid with similar properties. This amino acid position is conserved. In addition, the in silico prediction for this alteration is inconclusive. Based on the available evidence, the clinical significance of this variant remains unclear.